The following is an entry in ClinVar:

NM_001365951.3(KIF1B):c.*375A>G

Gene: KIF1B (kinesin family member 1B; plus strand). Cytogenetic location: 1p36.22.
Variant type: single nucleotide variant.
Coding change: c.*375A>G on transcript NM_001365951.3 (MANE Select); 375 bases downstream of the stop codon, A replaced by G.
Molecular consequence: 3 prime UTR variant.
Genome position (GRCh38, 1-based): chr1:10,376,962, A>G. VCF-style: chr1-10376962-A-G. GRCh37 (hg19) VCF-style: chr1-10437020-A-G.
Other names: c.*375A>G (NM_001365952.1, NM_015074.3).
Identifiers: ClinVar variation 291597 (VCV000291597.5), dbSNP rs554239975, ClinGen allele CA10607278.

ClinVar aggregate classification (germline): Likely benign (1 of 4 stars; one submission).

Conditions:
Neuroblastoma (NB). Identifiers: Orphanet 635, MedGen C0027819, MeSH D009447, MONDO:0005072, HP:0003006.

Allele frequency attached by ClinVar (database versions not stated): gnomAD below 0.00001 and 0.00018; TOPMed 0.00003; gnomAD exomes 0.00054; 1000 Genomes Project 30x 0.00094; 1000 Genomes Project 0.00100.
gnomAD v4.1: 151 of 389,116 alleles (0.039%); highest among the groups gnomAD compares: South Asian, 0.42%; 3 homozygotes.

Submission:

Illumina Laboratory Services, Illumina
Classification: Likely benign for Neuroblastoma. Last evaluated: 2018-01-13. Review status: criteria provided, single submitter. Criteria: ICSL Variant Classification Criteria 13 December 2019. Collection method: clinical testing. Allele origin: germline.
Comment: This variant was observed in the ICSL laboratory as part of a predisposition screen in an ostensibly healthy population. It had not been previously curated by ICSL or reported in the Human Gene Mutation Database (HGMD: prior to June 1st, 2018), and was therefore a candidate for classification through an automated scoring system. Utilizing variant allele frequency, disease prevalence and penetrance estimates, and inheritance mode, an automated score was calculated to assess if this variant is too frequent to cause the disease. Based on the score and internal cut-off values, a variant classified as likely benign is not then subjected to further curation. The score for this variant resulted in a classification of likely benign for this disease.